The following is an entry in ClinVar:

ClinVar aggregate classification (germline): Likely benign. Review status: criteria provided, multiple submitters, no conflicts (2 of 4 stars). 4 submissions from 4 submitters: Likely benign (3). 1 of the submissions does not count toward it. Last evaluated 2025-07-08.

Conditions:
RYR2-related disorder. Also called: RYR2-related condition.
Cardiovascular phenotype. Identifiers: MedGen CN230736.
Catecholaminergic polymorphic ventricular tachycardia (CVPT). Also called: Catecholamine-induced polymorphic ventricular tachycardia. Identifiers: Orphanet 3286, MedGen C5574922, MONDO:0017990.
Catecholaminergic polymorphic ventricular tachycardia 1. Also called: VENTRICULAR TACHYCARDIA, STRESS-INDUCED POLYMORPHIC 1; RYR2-Related Catecholaminergic Polymorphic Ventricular Tachycardia; VENTRICULAR TACHYCARDIA, CATECHOLAMINERGIC POLYMORPHIC, 1, WITH OR WITHOUT ATRIAL DYSFUNCTION AND/OR DILATED CARDIOMYOPATHY. Identifiers: Orphanet 3286, MedGen C1631597, MONDO:0011484, OMIM 604772.

Allele frequency attached by ClinVar (database versions not stated): gnomAD exomes 0.00001 and below 0.00001; ExAC 0.00001.
gnomAD v4.1: 9 of 1,611,926 alleles (0.00056%); highest among the groups gnomAD compares: Non-Finnish European, 0.00076%; no homozygotes.

Submissions (4):

Labcorp Genetics (formerly Invitae), Labcorp
Classification: Likely benign for Catecholaminergic polymorphic ventricular tachycardia 1. Last evaluated: 2025-07-08. Review status: criteria provided, single submitter. Criteria: Invitae Variant Classification Sherloc (09022015). Collection method: clinical testing. Allele origin: germline.

All of Us Research Program, National Institutes of Health
Classification: Likely benign for Catecholaminergic polymorphic ventricular tachycardia. Last evaluated: 2024-07-10. Review status: criteria provided, single submitter. Criteria: ACMG Guidelines, 2015. Collection method: clinical testing. Allele origin: germline. Inheritance: Autosomal dominant inheritance. Observed: 1 variant allele, 1 heterozygote.
Comment: This study involves interpretation of variants in research participants for the purpose of population health screening. Participant phenotype was not available at the time of variant classification. Additional details can be found in publication PMID: 35346344, PMCID: PMC8962531

Ambry Genetics
Classification: Likely benign for Cardiovascular phenotype. Last evaluated: 2023-06-22. Review status: criteria provided, single submitter. Criteria: Ambry Variant Classification Scheme 2023. Collection method: clinical testing. Allele origin: germline.

PreventionGenetics, part of Exact Sciences
Classification: Likely benign for RYR2-related condition. Last evaluated: 2019-11-08. Review status: no assertion criteria provided. Collection method: clinical testing. Allele origin: germline. Not counted in ClinVar's aggregate classification.
Comment: This variant is classified as likely benign based on ACMG/AMP sequence variant interpretation guidelines (Richards et al. 2015 PMID: 25741868, with internal and published modifications).

NM_001035.3(RYR2):c.13860G>A (p.Gln4620=)

Gene: RYR2 (ryanodine receptor 2; plus strand). Cytogenetic location: 1q43.
Variant type: single nucleotide variant.
Coding change: c.13860G>A on transcript NM_001035.3 (MANE Select); coding-DNA position 13860, G replaced by A.
Protein change: p.Gln4620=; no amino-acid change (glutamine 4620 retained).
Molecular consequence: synonymous variant.
Genome position (GRCh38, 1-based): chr1:237,793,944, G>A. VCF-style: chr1-237793944-G-A. GRCh37 (hg19) VCF-style: chr1-237957244-G-A.
Other names: c.13860G>A, p.Gln4620= (LRG_402t1).
Identifiers: ClinVar variation 412828 (VCV000412828.22), dbSNP rs751521335, ClinGen allele CA085499.